The following is an entry in ClinVar:

NM_000521.4(HEXB):c.705C>G (p.His235Gln)

Gene: HEXB (hexosaminidase subunit beta; plus strand). Cytogenetic location: 5q13.3.
Variant type: single nucleotide variant.
Coding change: c.705C>G on transcript NM_000521.4 (MANE Select); coding-DNA position 705, C replaced by G.
Protein change: p.His235Gln; replaces histidine 235 with glutamine.
Molecular consequence: missense variant.
Genome position (GRCh38, 1-based): chr5:74,705,254, C>G. VCF-style: chr5-74705254-C-G. GRCh37 (hg19) VCF-style: chr5-74001079-C-G.
Other names: c.30C>G, p.His10Gln (NM_001292004.2); short protein forms H235Q, H10Q.
Identifiers: ClinVar variation 1520280 (VCV001520280.10), dbSNP rs2112156345, ClinGen allele CA360065637.
Genomic context (GRCh38, chr5:74,705,254, plus strand): 5'-AATTTTTAAATATGTTTGCTTGCAGGATGCCATGGCTTTTAATAAGTTTAATGTTCTTCA[C>G]TGGCACATAGTTGATGACCAGTCTTTCCCATATCAGAGCATCACTTTTCCTGAGTTAAGC-3'
Protein context (NP_000512.2, residues 225-245): AMAFNKFNVL[His235Gln]WHIVDDQSFP

ClinVar aggregate classification (germline): Conflicting classifications of pathogenicity. Review status: criteria provided, conflicting classifications (1 of 4 stars). 2 submissions from 2 submitters: Likely pathogenic (1); Uncertain significance (1). Last evaluated 2025-04-21.

Conditions:
Sandhoff disease. Also called: Beta-hexosaminidase-beta-subunit deficiency; GM2 gangliosidosis, type 2; Total hexosaminidase deficiency; Sandhoff-Jatzkewitz-Pilz disease; GM2-GANGLIOSIDOSIS, TYPE II; HEXOSAMINIDASES A AND B DEFICIENCY. Identifiers: Orphanet 796, MedGen C0036161, MONDO:0010006, OMIM 268800.

Submissions (2):

Women's Health and Genetics/Laboratory Corporation of America, LabCorp
Classification: Uncertain significance. Last evaluated: 2025-04-21. Review status: criteria provided, single submitter. Criteria: LabCorp Variant Classification Summary - May 2015. Collection method: clinical testing. Allele origin: germline.
Comment: Variant summary: HEXB c.705C>G (p.His235Gln) results in a non-conservative amino acid change in the encoded protein sequence. Five of five in-silico tools predict a damaging effect of the variant on protein function. The variant was absent in 251384 control chromosomes. The available data on variant occurrences in the general population are insufficient to allow any conclusion about variant significance. To our knowledge, no occurrence of c.705C>G in individuals affected with Sandhoff Disease and no experimental evidence demonstrating its impact on protein function have been reported. ClinVar contains an entry for this variant (Variation ID: 1520280). Based on the evidence outlined above, the variant was classified as uncertain significance.

Labcorp Genetics (formerly Invitae), Labcorp
Classification: Likely pathogenic for Sandhoff disease. Last evaluated: 2021-01-11. Review status: criteria provided, single submitter. Criteria: Invitae Variant Classification Sherloc (09022015). Collection method: clinical testing. Allele origin: germline.
Comment: This variant disrupts the p.His235 amino acid residue in HEXB. Other variant(s) that disrupt this residue have been determined to be pathogenic (PMID: 23127958). This suggests that this residue is clinically significant, and that variants that disrupt this residue are likely to be disease-causing. In summary, the currently available evidence indicates that the variant is pathogenic, but additional data are needed to prove that conclusively. Therefore, this variant has been classified as Likely Pathogenic. Algorithms developed to predict the effect of sequence changes on RNA splicing suggest that this variant may create or strengthen a splice site, but this prediction has not been confirmed by published transcriptional studies. This sequence change replaces histidine with glutamine at codon 235 of the HEXB protein (p.His235Gln). The histidine residue is highly conserved and there is a small physicochemical difference between histidine and glutamine. This variant is not present in population databases (ExAC no frequency). This variant has not been reported in the literature in individuals with HEXB-related conditions. Advanced modeling of protein sequence and biophysical properties (such as structural, functional, and spatial information, amino acid conservation, physicochemical variation, residue mobility, and thermodynamic stability) performed at Invitae indicates that this missense variant is expected to disrupt HEXB protein function.

Literature cited by the submitters: PubMed 23127958 (cited by Labcorp Genetics (formerly Invitae), Labcorp).